The following is an entry in ClinVar:

NM_000939.4(POMC):c.83G>A (p.Cys28Tyr)

Gene: POMC (proopiomelanocortin; minus strand). Cytogenetic location: 2p23.3.
Variant type: single nucleotide variant.
Coding change: c.83G>A on transcript NM_000939.4 (MANE Select); coding-DNA position 83, G replaced by A.
Protein change: p.Cys28Tyr; replaces cysteine 28 with tyrosine.
Molecular consequence: missense variant.
Genome position (GRCh38, 1-based): chr2:25,164,690, C>T on the plus strand (G>A on the coding strand, the complement: POMC is on the minus strand). VCF-style: chr2-25164690-C-T. GRCh37 (hg19) VCF-style: chr2-25387559-C-T.
Other names: c.83G>A, p.Cys28Tyr (NM_001035256.3, NM_001319204.2, NM_001319205.2); short protein forms C28Y.
Identifiers: ClinVar variation 4997672 (VCV004997672.1).
Genomic context (GRCh38, chr2:25,164,690, plus strand): 5'-GGCCCACGTACCAGCAGGTTGCTTTCCGTGGTGAGGTCCTGACACTGGCTGCTCTCCAGG[C>T]ACCAGCCACGCACTTCCATGGAGGCCTGAAGCAGCAAGGCCAGCAACAGGGCCCCCGAGC-3'
Protein context (NP_000930.1, residues 18-38): LQASMEVRGW[Cys28Tyr]LESSQCQDLT

ClinVar aggregate classification (germline): Uncertain significance (1 of 4 stars; one submission).

Conditions:
POMC-related disorder. Also called: POMC-related disorders; POMC-related condition.

gnomAD v4.1: 6 of 1,614,172 alleles (0.00037%); highest among the groups gnomAD compares: Non-Finnish European, 0.00042%; no homozygotes.

Submission:

PreventionGenetics, part of Exact Sciences
Classification: Uncertain significance for POMC-related condition. Last evaluated: 2025-05-12. Review status: criteria provided, single submitter. Criteria: ACMG Guidelines, 2015. Collection method: clinical testing. Allele origin: germline.
Comment: The POMC c.83G>A variant is predicted to result in the amino acid substitution p.Cys28Tyr. This variant was reported in an individual with increased body mass index (referred to as 2:25164690:C:T in Table S3, Kaisinger et al. 2023. PubMed ID: 37601970). An alternate nucleotide change impacting the same amino acid position (p.Cys28Phe) has been reported in individuals with early-onset obesity (Creemers et al. 2008. PubMed ID: 18697863; (referred to as 2:25164690:C:A in Table S3, Kaisinger et al. 2023. PubMed ID: 37601970). This variant is reported in 0.00088% of alleles in individuals of European (Non-Finnish) descent in gnomAD. At this time, the clinical significance of this variant is uncertain due to the absence of conclusive functional and genetic evidence.